The following is an entry in ClinVar:

ClinVar aggregate classification (germline): Uncertain significance (1 of 4 stars; one submission).

Conditions:
POLD1-related polyposis and colorectal cancer syndrome (CRCS10). Also called: Colorectal cancer 10; Colorectal cancer, susceptibility to, 10; COLORECTAL CANCER, SUSCEPTIBILITY TO, ON CHROMOSOME 19q. Identifiers: Orphanet 220460, MedGen C2675481, MONDO:0012953, OMIM 612591.

Submission:

Labcorp Genetics (formerly Invitae), Labcorp
Classification: Uncertain significance for POLD1-related polyposis and colorectal cancer syndrome. Last evaluated: 2025-05-19. Review status: criteria provided, single submitter. Criteria: Invitae Variant Classification Sherloc (09022015). Collection method: clinical testing. Allele origin: germline.
Comment: This sequence change creates a premature translational stop signal (p.Leu681Profs*58) in the POLD1 gene. It is expected to result in an absent or disrupted protein product. However, the current clinical and genetic evidence is not sufficient to establish whether loss-of-function variants in POLD1 cause disease. This variant is not present in population databases (gnomAD no frequency). This variant has not been reported in the literature in individuals affected with POLD1-related conditions. ClinVar contains an entry for this variant (Variation ID: 2792120). Experimental studies and prediction algorithms are not available or were not evaluated, and the functional significance of this variant is currently unknown. In summary, the available evidence is currently insufficient to determine the role of this variant in disease. Therefore, it has been classified as a Variant of Uncertain Significance.

NM_002691.4(POLD1):c.2041dup (p.Leu681fs)

Gene: POLD1 (DNA polymerase delta 1, catalytic subunit; plus strand). Cytogenetic location: 19q13.33.
Variant type: Duplication.
Coding change: c.2041dup on transcript NM_002691.4 (MANE Select); coding-DNA position 2041, one base duplicated (C; older notation c.2041dupC).
Protein change: p.Leu681fs; shifts the reading frame from leucine 681.
Molecular consequence: frameshift variant. On other transcripts: non-coding transcript variant (1).
Genome position (GRCh38, 1-based): chr19:50,409,553, C duplicated; the last of 5 consecutive C bases (chr19:50,409,549-50,409,553); duplicating any one gives the same sequence. VCF-style (leftmost placement, unchanged base first): chr19-50409548-A-AC. GRCh37 (hg19) VCF-style: chr19-50912805-A-AC.
Other names: c.2041dup, p.Leu681fs (NM_001256849.1); c.2119dup, p.Leu707fs (NM_001308632.1); short protein forms L681fs, L707fs.
Identifiers: ClinVar variation 2792120 (VCV002792120.3), dbSNP rs1419624611, ClinGen allele CA883192895.